The following is an entry in ClinVar:

ClinVar aggregate classification (germline): Uncertain significance (1 of 4 stars; one submission).

Conditions:
Primary immunodeficiency with post-measles-mumps-rubella vaccine viral infection. Also called: Immunodeficiency 44. Identifiers: Orphanet 431166, MedGen C4225260, MONDO:0014715, OMIM 616636.

Submission:

Labcorp Genetics (formerly Invitae), Labcorp
Classification: Uncertain significance for Primary immunodeficiency with post-measles-mumps-rubella vaccine viral infection. Last evaluated: 2022-03-19. Review status: criteria provided, single submitter. Criteria: Invitae Variant Classification Sherloc (09022015). Collection method: clinical testing. Allele origin: germline.
Comment: In summary, the available evidence is currently insufficient to determine the role of this variant in disease. Therefore, it has been classified as a Variant of Uncertain Significance. Advanced modeling of protein sequence and biophysical properties (such as structural, functional, and spatial information, amino acid conservation, physicochemical variation, residue mobility, and thermodynamic stability) performed at Invitae indicates that this missense variant is expected to disrupt STAT2 protein function. This variant has not been reported in the literature in individuals affected with STAT2-related conditions. This variant is not present in population databases (gnomAD no frequency). This sequence change replaces histidine, which is basic and polar, with leucine, which is neutral and non-polar, at codon 329 of the STAT2 protein (p.His329Leu).

NM_005419.4(STAT2):c.986A>T (p.His329Leu)

Gene: STAT2 (signal transducer and activator of transcription 2; minus strand). Cytogenetic location: 12q13.3.
Variant type: single nucleotide variant.
Coding change: c.986A>T on transcript NM_005419.4 (MANE Select); coding-DNA position 986, A replaced by T.
Protein change: p.His329Leu; replaces histidine 329 with leucine.
Molecular consequence: missense variant.
Genome position (GRCh38, 1-based): chr12:56,351,146, T>A on the plus strand (A>T on the coding strand, the complement: STAT2 is on the minus strand). VCF-style: chr12-56351146-T-A. GRCh37 (hg19) VCF-style: chr12-56744930-T-A.
Other names: c.974A>T, p.His325Leu (NM_001385110.1, NM_001385115.1, NM_198332.2); c.986A>T, p.His329Leu (NM_001385111.1, NM_001385113.1, NM_001385114.1); short protein forms H325L, H329L.
Identifiers: ClinVar variation 2114606 (VCV002114606.4), dbSNP rs2547256275, ClinGen allele CA385262060.